The following is an entry in ClinVar:

ClinVar aggregate classification (germline): Uncertain significance (1 of 4 stars; one submission).

Conditions:
Generalized pustular psoriasis. Identifiers: Orphanet 247353, MedGen C0343055, MONDO:0100491.

Allele frequency attached by ClinVar (database versions not stated): gnomAD 0.00001 and 0.00002; gnomAD exomes 0.00001 and 0.00010; TOPMed 0.00003; ExAC 0.00010.
gnomAD v4.1: 33 of 1,613,810 alleles (0.002%); highest among the groups gnomAD compares: East Asian, 0.038%; no homozygotes.

Submission:

Labcorp Genetics (formerly Invitae), Labcorp
Classification: Uncertain significance for Generalized pustular psoriasis. Last evaluated: 2022-02-20. Review status: criteria provided, single submitter. Criteria: Invitae Variant Classification Sherloc (09022015). Collection method: clinical testing. Allele origin: germline.
Comment: This sequence change replaces glutamine, which is neutral and polar, with arginine, which is basic and polar, at codon 129 of the IL36RN protein (p.Gln129Arg). This variant is present in population databases (rs377330697, gnomAD 0.1%). This variant has not been reported in the literature in individuals affected with IL36RN-related conditions. ClinVar contains an entry for this variant (Variation ID: 529884). Algorithms developed to predict the effect of missense changes on protein structure and function (SIFT, PolyPhen-2, Align-GVGD) all suggest that this variant is likely to be disruptive. In summary, the available evidence is currently insufficient to determine the role of this variant in disease. Therefore, it has been classified as a Variant of Uncertain Significance.

NM_012275.3(IL36RN):c.386A>G (p.Gln129Arg)

Gene: IL36RN (interleukin 36 receptor antagonist; plus strand). Cytogenetic location: 2q14.1.
Variant type: single nucleotide variant.
Coding change: c.386A>G on transcript NM_012275.3 (MANE Select); coding-DNA position 386, A replaced by G.
Protein change: p.Gln129Arg; replaces glutamine 129 with arginine.
Molecular consequence: missense variant.
Genome position (GRCh38, 1-based): chr2:113,062,595, A>G. VCF-style: chr2-113062595-A-G. GRCh37 (hg19) VCF-style: chr2-113820172-A-G.
Other names: c.386A>G, p.Gln129Arg (NM_173170.1); short protein forms Q129R.
Identifiers: ClinVar variation 529884 (VCV000529884.6), dbSNP rs377330697, ClinGen allele CA1838457.